The following is an entry in ClinVar:

NM_198129.4(LAMA3):c.6279A>C (p.Gln2093His)

Gene: LAMA3 (laminin subunit alpha 3; plus strand). Cytogenetic location: 18q11.2.
Variant type: single nucleotide variant.
Coding change: c.6279A>C on transcript NM_198129.4 (MANE Select); coding-DNA position 6279, A replaced by C.
Protein change: p.Gln2093His; replaces glutamine 2093 with histidine.
Molecular consequence: missense variant.
Genome position (GRCh38, 1-based): chr18:23,903,086, A>C. VCF-style: chr18-23903086-A-C. GRCh37 (hg19) VCF-style: chr18-21483050-A-C.
Other names: c.1452A>C, p.Gln484His (NM_000227.6); c.6111A>C, p.Gln2037His (NM_001127717.4); c.1284A>C, p.Gln428His (NM_001127718.4); short protein forms Q2037H, Q2093H, Q428H, Q484H.
Identifiers: ClinVar variation 3618334 (VCV003618334.2).

ClinVar aggregate classification (germline): Uncertain significance (1 of 4 stars; one submission).

gnomAD v4.1: 1 of 1,612,842 alleles (0.000062%); highest among the groups gnomAD compares: South Asian, 0.0011%; no homozygotes.

Submission:

Labcorp Genetics (formerly Invitae), Labcorp
Classification: Uncertain significance. Last evaluated: 2024-07-30. Review status: criteria provided, single submitter. Criteria: Invitae Variant Classification Sherloc (09022015). Collection method: clinical testing. Allele origin: germline.
Comment: This sequence change replaces glutamine, which is neutral and polar, with histidine, which is basic and polar, at codon 484 of the LAMA3 protein (p.Gln484His). This variant is not present in population databases (gnomAD no frequency). This variant has not been reported in the literature in individuals affected with LAMA3-related conditions. An algorithm developed to predict the effect of missense changes on protein structure and function (PolyPhen-2) suggests that this variant is likely to be disruptive. In summary, the available evidence is currently insufficient to determine the role of this variant in disease. Therefore, it has been classified as a Variant of Uncertain Significance.